The following is an entry in ClinVar:

ClinVar aggregate classification (germline): Uncertain significance. Review status: criteria provided, multiple submitters, no conflicts (2 of 4 stars). 3 submissions from 3 submitters: Uncertain significance (2). 1 of the submissions does not count toward it. Last evaluated 2024-06-12.

Conditions:
Retinal dystrophy. Also called: Inherited retinal dystrophy. Identifiers: Orphanet 71862, MedGen C0854723, MeSH D058499, MONDO:0019118, HP:0000556.
Inborn genetic diseases. Identifiers: MedGen C0950123, MeSH D030342.

Allele frequency attached by ClinVar (database versions not stated): gnomAD 0.00001; gnomAD exomes 0.00001; ExAC 0.00008.
gnomAD v4.1: 18 of 1,542,546 alleles (0.0012%); highest among the groups gnomAD compares: South Asian, 0.019%; no homozygotes.

Submissions (3):

Labcorp Genetics (formerly Invitae), Labcorp
Classification: Uncertain significance. Last evaluated: 2024-06-12. Review status: criteria provided, single submitter. Criteria: Invitae Variant Classification Sherloc (09022015). Collection method: clinical testing. Allele origin: germline.
Comment: This sequence change replaces serine, which is neutral and polar, with glycine, which is neutral and non-polar, at codon 26 of the C1QTNF5 protein (p.Ser26Gly). This variant is present in population databases (rs763994719, gnomAD 0.02%). This variant has not been reported in the literature in individuals affected with C1QTNF5-related conditions. ClinVar contains an entry for this variant (Variation ID: 1974119). An algorithm developed to predict the effect of missense changes on protein structure and function (PolyPhen-2) suggests that this variant is likely to be disruptive. In summary, the available evidence is currently insufficient to determine the role of this variant in disease. Therefore, it has been classified as a Variant of Uncertain Significance.

Ambry Genetics
Classification: Uncertain significance for Inborn genetic diseases. Last evaluated: 2023-08-15. Review status: criteria provided, single submitter. Criteria: Ambry Variant Classification Scheme 2023. Collection method: clinical testing. Allele origin: germline.

Institute of Human Genetics, Univ. Regensburg, Univ. Regensburg
Classification: Uncertain significance for Retinal dystrophy. Last evaluated: 2021-01-01. Review status: no assertion criteria provided. Criteria: ACMG Guidelines, 2015. Collection method: clinical testing. Allele origin: germline. Affected: yes. Not counted in ClinVar's aggregate classification.

NM_001278431.2(C1QTNF5):c.76A>G (p.Ser26Gly)

Genes: C1QTNF5 (C1q and TNF related 5; minus strand), MFRP (membrane frizzled-related protein; minus strand). Cytogenetic location: 11q23.3.
Variant type: single nucleotide variant.
Coding change: c.76A>G on transcript NM_001278431.2 (MANE Select); coding-DNA position 76, A replaced by G.
Protein change: p.Ser26Gly; replaces serine 26 with glycine.
Molecular consequence: missense variant. On other transcripts: 3 prime UTR variant (1).
Genome position (GRCh38, 1-based): chr11:119,340,322, T>C on the plus strand (A>G on the coding strand, the complement: C1QTNF5 is on the minus strand). VCF-style: chr11-119340322-T-C. GRCh37 (hg19) VCF-style: chr11-119211032-T-C.
Other names: c.76A>G, p.Ser26Gly (NM_015645.5); c.*972A>G (NM_031433.4); short protein forms S26G.
Identifiers: ClinVar variation 1974119 (VCV001974119.8), dbSNP rs763994719, ClinGen allele CA6320002.
Genomic context (GRCh38, chr11:119,340,322, plus strand): 5'-AGCCCTGGCTGCCATGGTGGCCCGGCGTGCCTGGAAGGCCGGGGTGCCCCGGGCAGAGGC[T>C]GGGGATCTTGTTGTCGTCCAGTGGGGGCGAGCCGGCCGCCAGGCCCAGGAGCAGCAGGAC-3'
Protein context (NP_001265360.1, residues 16-36): SPPLDDNKIP[Ser26Gly]LCPGHPGLPG